The following is an entry in ClinVar:

NM_006231.4(POLE):c.1231G>A (p.Val411Met)

Gene: POLE (DNA polymerase epsilon, catalytic subunit; minus strand). Cytogenetic location: 12q24.33.
Variant type: single nucleotide variant.
Coding change: c.1231G>A on transcript NM_006231.4 (MANE Select); coding-DNA position 1231, G replaced by A.
Protein change: p.Val411Met; replaces valine 411 with methionine.
Molecular consequence: missense variant.
Genome position (GRCh38, 1-based): chr12:132,673,703, C>T on the plus strand (G>A on the coding strand, the complement: POLE is on the minus strand). VCF-style: chr12-132673703-C-T. GRCh37 (hg19) VCF-style: chr12-133250289-C-T.
Other names: short protein forms V411M.
Identifiers: ClinVar variation 486959 (VCV000486959.11), dbSNP rs1057519945, ClinGen allele CA387359763.

ClinVar aggregate classification (germline): Uncertain significance. Review status: criteria provided, multiple submitters, no conflicts (2 of 4 stars). 2 submissions from 2 submitters: Uncertain significance (2). Last evaluated 2026-01-09.

Conditions:
Hereditary cancer-predisposing syndrome. Also called: Tumor predisposition; Hereditary Cancer Syndrome; Neoplastic Syndromes, Hereditary; Hereditary neoplastic syndrome. Identifiers: Orphanet 140162, MedGen C0027672, MeSH D009386, MONDO:0015356.

Submissions (2):

Ambry Genetics
Classification: Uncertain significance for Hereditary cancer-predisposing syndrome. Last evaluated: 2026-01-09. Review status: criteria provided, single submitter. Criteria: Ambry Variant Classification Scheme 2023. Collection method: clinical testing. Allele origin: germline.
Comment: The p.V411M variant (also known as c.1231G>A), located in coding exon 13 of the POLE gene, results from a G to A substitution at nucleotide position 1231. The valine at codon 411 is replaced by methionine, an amino acid with highly similar properties. This amino acid position is highly conserved in available vertebrate species. In addition, the in silico prediction for this alteration is inconclusive. Based on the available evidence, the clinical significance of this variant remains unclear.

Labcorp Genetics (formerly Invitae), Labcorp
Classification: Uncertain significance. Last evaluated: 2022-06-28. Review status: criteria provided, single submitter. Criteria: Invitae Variant Classification Sherloc (09022015). Collection method: clinical testing. Allele origin: germline.
Comment: In summary, the available evidence is currently insufficient to determine the role of this variant in disease. Therefore, it has been classified as a Variant of Uncertain Significance. Algorithms developed to predict the effect of missense changes on protein structure and function are either unavailable or do not agree on the potential impact of this missense change (SIFT: "Deleterious"; PolyPhen-2: "Probably Damaging"; Align-GVGD: "Class C0"). ClinVar contains an entry for this variant (Variation ID: 486959). This variant has not been reported in the literature in individuals affected with POLE-related conditions. This variant is not present in population databases (gnomAD no frequency). This sequence change replaces valine, which is neutral and non-polar, with methionine, which is neutral and non-polar, at codon 411 of the POLE protein (p.Val411Met).

Literature cited by the submitters: PubMed 25124163 (cited by Ambry Genetics).